The following is an entry in ClinVar:

ClinVar aggregate classification (germline): Pathogenic. Review status: criteria provided, multiple submitters, no conflicts (2 of 4 stars). 2 submissions from 2 submitters: Pathogenic (2). Last evaluated 2025-06-08.

Conditions:
Hereditary breast ovarian cancer syndrome. Also called: Hereditary breast and ovarian cancer syndrome; BRCA1- and BRCA2-Associated Hereditary Breast and Ovarian Cancer; Hereditary breast and/or ovarian cancer syndrome; Hereditary breast and ovarian cancer; Hereditary breast and ovarian cancer syndrome (HBOC); Breast and ovarian cancer. Identifiers: Orphanet 145, MedGen C0677776, MeSH D061325, MONDO:0003582. Disease mechanism: loss of function.
Hereditary cancer-predisposing syndrome. Also called: Neoplastic Syndromes, Hereditary; Hereditary Cancer Syndrome; Tumor predisposition; Hereditary neoplastic syndrome. Identifiers: Orphanet 140162, MedGen C0027672, MeSH D009386, MONDO:0015356.

Submissions (2):

Labcorp Genetics (formerly Invitae), Labcorp
Classification: Pathogenic for Hereditary breast ovarian cancer syndrome. Last evaluated: 2025-06-08. Review status: criteria provided, single submitter. Criteria: Invitae Variant Classification Sherloc (09022015). Collection method: clinical testing. Allele origin: germline.
Comment: This sequence change creates a premature translational stop signal (p.Lys2077*) in the BRCA2 gene. It is expected to result in an absent or disrupted protein product. Loss-of-function variants in BRCA2 are known to be pathogenic (PMID: 20104584). This variant is not present in population databases (gnomAD no frequency). This variant has not been reported in the literature in individuals affected with BRCA2-related conditions. ClinVar contains an entry for this variant (Variation ID: 852388). For these reasons, this variant has been classified as Pathogenic.

Ambry Genetics
Classification: Pathogenic for Hereditary cancer-predisposing syndrome. Last evaluated: 2025-02-07. Review status: criteria provided, single submitter. Criteria: Ambry Variant Classification Scheme 2023. Collection method: clinical testing. Allele origin: germline.
Comment: The p.K2077* pathogenic mutation (also known as c.6229A>T), located in coding exon 10 of the BRCA2 gene, results from an A to T substitution at nucleotide position 6229. This changes the amino acid from a lysine to a stop codon within coding exon 10. This alteration was identified in an individual diagnosed with breast cancer (Oranratnachai S et al. Cancer Rep (Hoboken), 2023 Jan;6:e1664). This variant is considered to be rare based on population cohorts in the Genome Aggregation Database (gnomAD). This alteration is expected to result in loss of function by premature protein truncation or nonsense-mediated mRNA decay. As such, this alteration is interpreted as a disease-causing mutation.

Literature cited by the submitters: PubMed 20104584 (cited by Labcorp Genetics (formerly Invitae), Labcorp); PubMed 35778884 (cited by Ambry Genetics).

NM_000059.4(BRCA2):c.6229A>T (p.Lys2077Ter)

Gene: BRCA2 (BRCA2 DNA repair associated; plus strand). Cytogenetic location: 13q13.1.
Variant type: single nucleotide variant.
Coding change: c.6229A>T on transcript NM_000059.4 (MANE Select); coding-DNA position 6229, A replaced by T.
Protein change: p.Lys2077Ter; replaces lysine 2077 with a stop codon.
Molecular consequence: nonsense.
Genome position (GRCh38, 1-based): chr13:32,340,584, A>T. VCF-style: chr13-32340584-A-T. GRCh37 (hg19) VCF-style: chr13-32914721-A-T.
Other names: short protein forms K2077*.
Identifiers: ClinVar variation 852388 (VCV000852388.9), dbSNP rs2072549579, ClinGen allele CA387788889.